The following is an entry in ClinVar:

NM_005996.4(TBX3):c.1290C>T (p.Gly430=)

Gene: TBX3 (T-box transcription factor 3; minus strand). Cytogenetic location: 12q24.21.
Variant type: single nucleotide variant.
Coding change: c.1290C>T on transcript NM_005996.4 (MANE Select); coding-DNA position 1290, C replaced by T.
Protein change: p.Gly430=; no amino-acid change (glycine 430 retained).
Molecular consequence: synonymous variant.
Genome position (GRCh38, 1-based): chr12:114,674,585, G>A on the plus strand (C>T on the coding strand, the complement: TBX3 is on the minus strand). VCF-style: chr12-114674585-G-A. GRCh37 (hg19) VCF-style: chr12-115112390-G-A.
Other names: c.1350C>T, p.Gly450= (NM_016569.4); c.1350C>T (NM_016569.3).
Identifiers: ClinVar variation 593772 (VCV000593772.16), dbSNP rs369999628, ClinGen allele CA6809943.

ClinVar aggregate classification (germline): Conflicting classifications of pathogenicity. Review status: criteria provided, conflicting classifications (1 of 4 stars). 3 submissions from 3 submitters: Uncertain significance (1); Likely benign (1). 1 of the submissions does not count toward it. Last evaluated 2026-01-26.

Conditions:
TBX3-related disorder. Also called: TBX3-related condition.
Ulnar-mammary syndrome (UMS). Also called: SCHINZEL SYNDROME; Ulnar-mammary syndrome of Pallister; PALLISTER ULNAR-MAMMARY SYNDROME. Identifiers: Orphanet 3138, MedGen C1866994, MONDO:0008411, OMIM 181450.

Allele frequency attached by ClinVar (database versions not stated): gnomAD exomes 0.00012; ESP Exome Variant Server 0.00031; ExAC 0.00038; gnomAD 0.00043 and 0.00045; TOPMed 0.00054; 1000 Genomes Project 30x 0.00078; 1000 Genomes Project 0.00100.
gnomAD v4.1: 117 of 1,588,682 alleles (0.0074%); highest among the groups gnomAD compares: African/African-American, 0.14%; no homozygotes.

Submissions (3):

Labcorp Genetics (formerly Invitae), Labcorp
Classification: Likely benign for Ulnar-mammary syndrome. Last evaluated: 2026-01-26. Review status: criteria provided, single submitter. Criteria: Invitae Variant Classification Sherloc (09022015). Collection method: clinical testing. Allele origin: germline.

Eurofins Ntd Llc (ga)
Classification: Uncertain significance. Last evaluated: 2017-08-24. Review status: criteria provided, single submitter. Criteria: EGL Classification Definitions 2015. Collection method: clinical testing. Allele origin: germline. Observed: 1 variant allele, 1 heterozygote.

PreventionGenetics, part of Exact Sciences
Classification: Likely benign for TBX3-related condition. Last evaluated: 2022-10-04. Review status: no assertion criteria provided. Collection method: clinical testing. Allele origin: germline. Not counted in ClinVar's aggregate classification.
Comment: This variant is classified as likely benign based on ACMG/AMP sequence variant interpretation guidelines (Richards et al. 2015 PMID: 25741868, with internal and published modifications).